The following is an entry in ClinVar:

ClinVar aggregate classification (germline): Pathogenic (1 of 4 stars; one submission).

Conditions:
Hereditary cancer-predisposing syndrome. Also called: Neoplastic Syndromes, Hereditary; Tumor predisposition; Hereditary Cancer Syndrome; Hereditary neoplastic syndrome. Identifiers: Orphanet 140162, MedGen C0027672, MeSH D009386, MONDO:0015356.

Submission:

Ambry Genetics
Classification: Pathogenic for Hereditary cancer-predisposing syndrome. Last evaluated: 2026-06-02. Review status: criteria provided, single submitter. Criteria: Ambry Variant Classification Scheme 2023. Collection method: clinical testing. Allele origin: germline.
Comment: The c.3473_3474dupAA pathogenic mutation, located in coding exon 10 of the BRCA2 gene, results from a duplication of AA at nucleotide position 3473, causing a translational frameshift with a predicted alternate stop codon (p.C1159Nfs*10). This variant is considered to be rare based on population cohorts in the Genome Aggregation Database (gnomAD). This alteration is expected to result in loss of function by premature protein truncation or nonsense-mediated mRNA decay. As such, this alteration is interpreted as a disease-causing mutation.

NM_000059.4(BRCA2):c.3473_3474dup (p.Cys1159fs)

Gene: BRCA2 (BRCA2 DNA repair associated; plus strand). Cytogenetic location: 13q13.1.
Variant type: Duplication.
Coding change: c.3473_3474dup on transcript NM_000059.4 (MANE Select); coding-DNA positions 3473 to 3474, 2 bases duplicated (AA; older notation c.3473_3474dupAA).
Protein change: p.Cys1159fs; shifts the reading frame from cysteine 1159.
Molecular consequence: frameshift variant. On other transcripts: non-coding transcript variant (1), intron variant (2).
Genome position (GRCh38, 1-based): chr13:32,337,828-32,337,829, AA duplicated. VCF-style (leftmost placement, unchanged base first): chr13-32337827-G-GAA. GRCh37 (hg19) VCF-style: chr13-32911964-G-GAA.
Other names: c.3473_3474dup, p.Cys1159fs (NM_001406719.1, NM_001406720.1, NM_001432077.1); c.1909+4441_1909+4442dup (NM_001406721.1); c.425-6730_425-6729dup (NM_001406722.1); c.3473_3474dupAA (NM_000059.3); short protein forms C1159fs.
Identifiers: ClinVar variation 4867881 (VCV004867881.1).